The following is an entry in ClinVar:

NM_004415.4(DSP):c.8432A>C (p.Lys2811Thr)

Gene: DSP (desmoplakin; plus strand). Cytogenetic location: 6p24.3.
Variant type: single nucleotide variant.
Coding change: c.8432A>C on transcript NM_004415.4 (MANE Select); coding-DNA position 8432, A replaced by C.
Protein change: p.Lys2811Thr; replaces lysine 2811 with threonine.
Molecular consequence: missense variant.
Genome position (GRCh38, 1-based): chr6:7,585,694, A>C. VCF-style: chr6-7585694-A-C. GRCh37 (hg19) VCF-style: chr6-7585927-A-C.
Other names: c.6635A>C, p.Lys2212Thr (NM_001008844.3); c.7103A>C, p.Lys2368Thr (NM_001319034.2); short protein forms K2212T, K2368T, K2811T.
Identifiers: ClinVar variation 3074565 (VCV003074565.1), dbSNP rs2533951740, ClinGen allele CA362695132.

ClinVar aggregate classification (germline): Uncertain significance (1 of 4 stars; one submission).

Conditions:
Arrhythmogenic cardiomyopathy with wooly hair and keratoderma. Also called: PALMOPLANTAR KERATODERMA WITH LEFT VENTRICULAR CARDIOMYOPATHY AND WOOLLY HAIR; Carvajal syndrome; Dilated cardiomyopathy with woolly hair and keratoderma; Arrhythmogenic cardiomyopathy with woolly hair and keratoderma. Identifiers: Orphanet 65282, MedGen C1854063, MONDO:0011581, OMIM 605676.

Submission:

All of Us Research Program, National Institutes of Health
Classification: Uncertain significance for Arrhythmogenic cardiomyopathy with wooly hair and keratoderma. Last evaluated: 2023-11-20. Review status: criteria provided, single submitter. Criteria: ACMG Guidelines, 2015. Collection method: clinical testing. Allele origin: germline. Inheritance: Autosomal dominant inheritance. Observed: 1 variant allele, 1 heterozygote.
Comment: This missense variant replaces lysine with threonine at codon 2811 of the DSP protein. Computational prediction is inconclusive regarding the impact of this variant on protein structure and function (internally defined REVEL score threshold 0.5 < inconclusive < 0.7, PMID: 27666373). To our knowledge, functional studies have not been reported for this variant. This variant has not been reported in individuals affected with DSP-related disorders in the literature. This variant has not been identified in the general population by the Genome Aggregation Database (gnomAD). The available evidence is insufficient to determine the role of this variant in disease conclusively. Therefore, this variant is classified as a Variant of Uncertain Significance.

This study involves interpretation of variants in research participants for the purpose of population health screening. Participant phenotype was not available at the time of variant classification. Additional details can be found in publication PMID: 35346344, PMCID: PMC8962531